The following is an entry in ClinVar:

ClinVar aggregate classification (germline): Uncertain significance (1 of 4 stars; one submission).

Conditions:
Joubert syndrome. Also called: Familial aplasia of the vermis; JOUBERT-BOLTSHAUSER SYNDROME. Identifiers: Orphanet 475, MedGen C5979921, MONDO:0018772.
Meckel-Gruber syndrome. Also called: Dysencephalia splachnocystica; DYSENCEPHALIA SPLANCHNOCYSTICA; GRUBER SYNDROME. Identifiers: Orphanet 564, MedGen C0265215, MONDO:0018921.

Allele frequency attached by ClinVar (database versions not stated): gnomAD exomes below 0.00001; gnomAD 0.00001; TOPMed 0.00001.
gnomAD v4.1: 9 of 1,567,244 alleles (0.00057%); highest among the groups gnomAD compares: Non-Finnish European, 0.00069%; no homozygotes.

Submission:

Labcorp Genetics (formerly Invitae), Labcorp
Classification: Uncertain significance for Joubert syndrome; Meckel-Gruber syndrome. Last evaluated: 2024-11-04. Review status: criteria provided, single submitter. Criteria: Invitae Variant Classification Sherloc (09022015). Collection method: clinical testing. Allele origin: germline.
Comment: This sequence change replaces glycine, which is neutral and non-polar, with valine, which is neutral and non-polar, at codon 702 of the CC2D2A protein (p.Gly702Val). This variant is present in population databases (no rsID available, gnomAD 0.001%). This variant has not been reported in the literature in individuals affected with CC2D2A-related conditions. ClinVar contains an entry for this variant (Variation ID: 1968596). Invitae Evidence Modeling of protein sequence and biophysical properties (such as structural, functional, and spatial information, amino acid conservation, physicochemical variation, residue mobility, and thermodynamic stability) has been performed for this missense variant. However, the output from this modeling did not meet the statistical confidence thresholds required to predict the impact of this variant on CC2D2A protein function. In summary, the available evidence is currently insufficient to determine the role of this variant in disease. Therefore, it has been classified as a Variant of Uncertain Significance.

NM_001378615.1(CC2D2A):c.2105G>T (p.Gly702Val)

Genes: CC2D2A (coiled-coil and C2 domain containing 2A; plus strand), FBXL5 (F-box and leucine rich repeat protein 5; minus strand). Cytogenetic location: 4p15.32.
Variant type: single nucleotide variant.
Coding change: c.2105G>T on transcript NM_001378615.1 (MANE Select); coding-DNA position 2105, G replaced by T.
Protein change: p.Gly702Val; replaces glycine 702 with valine.
Molecular consequence: missense variant.
Genome position (GRCh38, 1-based): chr4:15,540,938, G>T. VCF-style: chr4-15540938-G-T. GRCh37 (hg19) VCF-style: chr4-15542561-G-T.
Other names: c.2105G>T, p.Gly702Val (NM_001080522.2); c.1958G>T, p.Gly653Val (NM_001378617.1); short protein forms G653V, G702V.
Identifiers: ClinVar variation 1968596 (VCV001968596.5), dbSNP rs1490843228, ClinGen allele CA356413680.